The following is an entry in ClinVar:

ClinVar aggregate classification (germline): Conflicting classifications of pathogenicity. Review status: criteria provided, conflicting classifications (1 of 4 stars). 3 submissions from 3 submitters: Likely pathogenic (2); Uncertain significance (1). Last evaluated 2020-03-27.

Conditions:
Hereditary nonpolyposis colorectal neoplasms. Identifiers: MedGen C0009405, MeSH D003123.
Hereditary cancer-predisposing syndrome. Also called: Hereditary neoplastic syndrome; Hereditary Cancer Syndrome; Neoplastic Syndromes, Hereditary; Tumor predisposition. Identifiers: Orphanet 140162, MedGen C0027672, MeSH D009386, MONDO:0015356.

Submissions (3):

Ambry Genetics
Classification: Likely pathogenic for Hereditary cancer-predisposing syndrome. Last evaluated: 2020-03-27. Review status: criteria provided, single submitter. Criteria: Ambry Variant Classification Scheme 2023. Collection method: clinical testing. Allele origin: germline.
Comment: The c.4004_4007dupAAGT variant, located in coding exon 10 of the MSH6 gene, results from a duplication of AAGT at nucleotide position 4004, causing a translational frameshift with a predicted alternate stop codon (p.C1337Sfs*5). Frameshifts are typically deleterious in nature; however, this frameshift occurs at the 3' terminus of MSH6, is not expected to trigger nonsense-mediated mRNA decay, and impacts only the last 24 amino acids of the protein. The exact functional impact of these altered amino acids is unknown at this time. Based on the majority of available evidence to date, this variant is likely to be pathogenic.

Color Diagnostics, LLC DBA Color Health
Classification: Likely pathogenic for Hereditary cancer-predisposing syndrome. Last evaluated: 2020-01-15. Review status: criteria provided, single submitter. Criteria: ACMG Guidelines, 2015. Collection method: clinical testing. Allele origin: germline.
Comment: This variant is located in the MSH6 protein. Splice site prediction tools suggest that this variant may not impact RNA splicing. This variant has not been identified in the general population by the Genome Aggregation Database (gnomAD). Loss of MSH6 function is a known mechanism of disease. Based on the available evidence, this variant is classified as Likely Pathogenic.

Labcorp Genetics (formerly Invitae), Labcorp
Classification: Uncertain significance for Hereditary nonpolyposis colorectal neoplasms. Last evaluated: 2018-05-06. Review status: criteria provided, single submitter. Criteria: Invitae Variant Classification Sherloc (09022015). Collection method: clinical testing. Allele origin: germline.
Comment: This variant is not present in population databases (ExAC no frequency). In summary, the available evidence is currently insufficient to determine the role of this variant in disease. Therefore, it has been classified as a Variant of Uncertain Significance. This variant has been observed in an individual undergoing multigene panel testing (PMID: 28514183). ClinVar contains an entry for this variant (Variation ID: 230310). This sequence change inserts 4 nucleotides in exon 10 of the MSH6 mRNA (c.4004_4007dupAAGT), causing a frameshift at codon 1337. This creates a premature translational stop signal in the last exon of the MSH6 mRNA (p.Cys1337Serfs*5). While this is not anticipated to result in nonsense mediated decay, it is expected to disrupt the last 24 amino acids of the MSH6 protein.

Literature cited by the submitters: PubMed 28514183 (cited by Ambry Genetics and Labcorp Genetics (formerly Invitae), Labcorp); PubMed 29967336 (cited by Ambry Genetics).

NM_000179.3(MSH6):c.4004_4007dup (p.Cys1337fs)

Gene: MSH6 (mutS homolog 6; plus strand). Cytogenetic location: 2p16.3.
Variant type: Duplication.
Coding change: c.4004_4007dup on transcript NM_000179.3 (MANE Select); coding-DNA positions 4004 to 4007, 4 bases duplicated (AAGT; older notation c.4004_4007dupAAGT).
Protein change: p.Cys1337fs; shifts the reading frame from cysteine 1337.
Molecular consequence: frameshift variant.
Genome position (GRCh38, 1-based): chr2:47,806,781-47,806,784, AAGT duplicated. VCF-style (leftmost placement, unchanged base first): chr2-47806780-G-GAAGT. GRCh37 (hg19) VCF-style: chr2-48033919-G-GAAGT.
Other names: c.3614_3617dup, p.Cys1207fs (NM_001281492.2); c.3098_3101dup, p.Cys1035fs (NM_001281493.2, NM_001281494.2); c.4004_4007dupAAGT (NM_000179.2); short protein forms C1035fs, C1207fs, C1337fs.
Identifiers: ClinVar variation 230310 (VCV000230310.15), dbSNP rs876658497, ClinGen allele CA10578174.